The following is an entry in ClinVar:

NM_024675.4(PALB2):c.3379T>C (p.Cys1127Arg)

Gene: PALB2 (partner and localizer of BRCA2; minus strand). Cytogenetic location: 16p12.2.
Variant type: single nucleotide variant.
Coding change: c.3379T>C on transcript NM_024675.4 (MANE Select); coding-DNA position 3379, T replaced by C.
Protein change: p.Cys1127Arg; replaces cysteine 1127 with arginine.
Molecular consequence: missense variant.
Genome position (GRCh38, 1-based): chr16:23,603,641, A>G on the plus strand (T>C on the coding strand, the complement: PALB2 is on the minus strand). VCF-style: chr16-23603641-A-G. GRCh37 (hg19) VCF-style: chr16-23614962-A-G.
Other names: short protein forms C1127R.
Identifiers: ClinVar variation 490083 (VCV000490083.25), dbSNP rs767830005, ClinGen allele CA7963346.

ClinVar aggregate classification (germline): Conflicting classifications of pathogenicity. Review status: criteria provided, conflicting classifications (1 of 4 stars). 11 submissions from 11 submitters: Uncertain significance (8); Benign (1); Likely benign (1). 1 of the submissions does not count toward it. Last evaluated 2025-12-09.

Conditions:
Hereditary cancer-predisposing syndrome. Also called: Tumor predisposition; Neoplastic Syndromes, Hereditary; Hereditary Cancer Syndrome; Hereditary neoplastic syndrome. Identifiers: Orphanet 140162, MedGen C0027672, MeSH D009386, MONDO:0015356.
Pancreatic cancer, susceptibility to, 3. Identifiers: Orphanet 1333, MedGen C3150547, MONDO:0013236, OMIM 613348.
Fanconi anemia complementation group N. Also called: PALB2-Related Fanconi Anemia. Identifiers: Orphanet 84, MedGen C1835817, MONDO:0012565, OMIM 610832. Disease mechanism: loss of function.
Breast-ovarian cancer, familial, susceptibility to, 5 (BROVCA5). Identifiers: MedGen C5830615, MONDO:0957530, OMIM 620442.
Hereditary breast ovarian cancer syndrome. Also called: Hereditary breast and ovarian cancer; Hereditary breast and ovarian cancer syndrome (HBOC); BRCA1- and BRCA2-Associated Hereditary Breast and Ovarian Cancer; Breast and ovarian cancer; Hereditary breast and ovarian cancer syndrome; Hereditary breast and/or ovarian cancer syndrome. Identifiers: Orphanet 145, MedGen C0677776, MeSH D061325, MONDO:0003582. Disease mechanism: loss of function.
Ovarian cancer. Also called: OVARIAN CANCER, SOMATIC. Identifiers: Orphanet 213500, MedGen C1140680, MONDO:0008170, OMIM 167000.
Familial cancer of breast. Also called: BREAST CANCER, FAMILIAL; hereditary breast carcinoma; Hereditary breast cancer. Identifiers: Orphanet 227535, MedGen C0346153, MONDO:0016419, OMIM 114480. Disease mechanism: loss of function.

Allele frequency attached by ClinVar (database versions not stated): gnomAD exomes below 0.00001 and 0.00001; ExAC 0.00001; gnomAD 0.00001; TOPMed 0.00002.
gnomAD v4.1: 8 of 1,614,004 alleles (0.0005%); highest among the groups gnomAD compares: East Asian, 0.013%; no homozygotes.

Submissions (11):

Labcorp Genetics (formerly Invitae), Labcorp
Classification: Uncertain significance for Familial cancer of breast. Last evaluated: 2025-12-09. Review status: criteria provided, single submitter. Criteria: Invitae Variant Classification Sherloc (09022015). Collection method: clinical testing. Allele origin: germline.
Comment: This sequence change replaces cysteine, which is neutral and slightly polar, with arginine, which is basic and polar, at codon 1127 of the PALB2 protein (p.Cys1127Arg). This variant is present in population databases (rs767830005, gnomAD 0.01%). This missense change has been observed in individual(s) with PALB2-related conditions (PMID: 28825143, 36622392). ClinVar contains an entry for this variant (Variation ID: 490083). An algorithm developed to predict the effect of missense changes on protein structure and function (PolyPhen-2) suggests that this variant is likely to be tolerated. In summary, the available evidence is currently insufficient to determine the role of this variant in disease. Therefore, it has been classified as a Variant of Uncertain Significance.

Molecular Pathology, Peter Maccallum Cancer Centre
Classification: Uncertain significance for Familial cancer of breast. Last evaluated: 2025-03-06. Review status: criteria provided, single submitter. Criteria: ACMG Guidelines, 2015. Collection method: clinical testing. Allele origin: germline. Inheritance: Autosomal dominant inheritance.

Color Diagnostics, LLC DBA Color Health
Classification: Uncertain significance for Hereditary cancer-predisposing syndrome. Last evaluated: 2024-07-01. Review status: criteria provided, single submitter. Criteria: ACMG Guidelines, 2015. Collection method: clinical testing. Allele origin: germline.
Comment: This missense variant replaces cysteine with arginine at codon 1127 of the PALB2 protein. Computational prediction suggests that this variant may not impact protein structure and function. To our knowledge, functional studies have not been performed for this variant. This variant has been reported in at least three individuals affected with breast cancer (PMID: 28825143, 34917121; DOI 10.1101/513317) and absent in male breast cancer, prostate and pancreatic cancer cases and found in one unaffected individual in case-control studies in the Japanese population (PMID: 30287823, 31214711, 32980694). This variant has also been identified in 2/251436 chromosomes in the general population by the Genome Aggregation Database (gnomAD). The available evidence is insufficient to determine the role of this variant in disease conclusively. Therefore, this variant is classified as a Variant of Uncertain Significance.

Fulgent Genetics
Classification: Uncertain significance for Fanconi anemia complementation group N; Pancreatic cancer, susceptibility to, 3; Breast-ovarian cancer, familial, susceptibility to, 5. Last evaluated: 2024-03-28. Review status: criteria provided, single submitter. Criteria: ACMG Guidelines, 2015. Collection method: clinical testing. Allele origin: germline.

Ambry Genetics
Classification: Likely benign for Hereditary cancer-predisposing syndrome. Last evaluated: 2024-03-08. Review status: criteria provided, single submitter. Criteria: Ambry Variant Classification Scheme 2023. Collection method: clinical testing. Allele origin: germline.

Baylor Genetics
Classification: Uncertain significance for Familial cancer of breast. Last evaluated: 2024-02-28. Review status: criteria provided, single submitter. Criteria: ACMG Guidelines, 2015. Collection method: clinical testing. Allele origin: unknown.

Quest Diagnostics Nichols Institute San Juan Capistrano
Classification: Uncertain significance. Last evaluated: 2023-10-10. Review status: criteria provided, single submitter. Criteria: Quest Diagnostics criteria. Collection method: clinical testing. Allele origin: unknown.

Department of Pathology and Laboratory Medicine, Sinai Health System
Classification: Uncertain significance for Hereditary breast ovarian cancer syndrome. Last evaluated: 2023-05-01. Review status: criteria provided, single submitter. Criteria: ACMG Guidelines, 2015. Collection method: clinical testing. Allele origin: germline. Affected: yes.

Laboratory of Molecular Epidemiology of Birth Defects, West China Second University Hospital, Sichuan University
Classification: Benign for Ovarian cancer. Last evaluated: 2022-01-01. Review status: criteria provided, single submitter. Criteria: ACMG Guidelines, 2015. Collection method: clinical testing. Allele origin: germline. Affected: yes.

Sema4
Classification: Uncertain significance for Hereditary cancer-predisposing syndrome. Last evaluated: 2021-05-24. Review status: criteria provided, single submitter. Criteria: Sema4 Curation Guidelines. Collection method: curation. Allele origin: germline.
Comment: The PALB2 c.3379T>C (p.C1127R) variant has been reported in heterozygosity in at least one individual with breast cancer (PMID: 28825143). It was observed in 2/18394 chromosomes of the East Asian subpopulation in the large and broad cohorts of the Genome Aggregation Database. The variant has been reported in ClinVar (Variation ID 490083). In silico tools suggest the impact of the variant on protein function is benign, though these predictions have not been confirmed by functional studies. The evidence is insufficient to meet ACMG/AMP criteria for classifying the variant as benign or pathogenic. Thus, the clinical significance of this variant is currently uncertain.

Leiden Open Variation Database
Classification: Uncertain significance. Last evaluated: 2018-08-25. Review status: no assertion criteria provided. Collection method: curation. Allele origin: germline. Affected: yes. Not counted in ClinVar's aggregate classification.
Comment: Curators: Marc Tischkowitz, Arleen D. Auerbach. Submitter to LOVD: Yukihide Momozawa.

Literature cited by the submitters: PubMed 28825143 (cited by 6 submitters); PubMed 36622392 (cited by Labcorp Genetics (formerly Invitae), Labcorp); PubMed 30287823 (cited by 4 submitters); PubMed 31214711 (cited by Color Diagnostics, LLC DBA Color Health); PubMed 32980694 (cited by Color Diagnostics, LLC DBA Color Health); PubMed 34917121 (cited by Color Diagnostics, LLC DBA Color Health); PubMed 36243179 (cited by Quest Diagnostics Nichols Institute San Juan Capistrano).